The following is an entry in ClinVar:

ClinVar aggregate classification (germline): Likely benign (0 of 4 stars; one submission).

Conditions:
TBXT-related disorder. Also called: TBXT-related condition.

Allele frequency attached by ClinVar (database versions not stated): gnomAD 0.00007; ExAC 0.00008; gnomAD exomes 0.00010; TOPMed 0.00026.

Submission:

PreventionGenetics, part of Exact Sciences
Classification: Likely benign for TBXT-related condition. Last evaluated: 2019-03-05. Review status: no assertion criteria provided. Collection method: clinical testing. Allele origin: germline.
Comment: This variant is classified as likely benign based on ACMG/AMP sequence variant interpretation guidelines (Richards et al. 2015 PMID: 25741868, with internal and published modifications).

NM_001366285.2(TBXT):c.1017C>A (p.Ala339=)

Gene: TBXT (T-box transcription factor T; minus strand). Cytogenetic location: 6q27.
Variant type: single nucleotide variant.
Coding change: c.1017C>A on transcript NM_001366285.2 (MANE Select); coding-DNA position 1017, C replaced by A.
Protein change: p.Ala339=; no amino-acid change (alanine 339 retained).
Molecular consequence: synonymous variant.
Genome position (GRCh38, 1-based): chr6:166,160,857, G>T on the plus strand (C>A on the coding strand, the complement: TBXT is on the minus strand). VCF-style: chr6-166160857-G-T. GRCh37 (hg19) VCF-style: chr6-166574345-G-T.
Other names: c.840C>A, p.Ala280= (NM_001270484.2); c.1017C>A, p.Ala339= (NM_001366286.2); c.1014C>A, p.Ala338= (NM_003181.4).
Identifiers: ClinVar variation 3057549 (VCV003057549.2), dbSNP rs757063703, ClinGen allele CA4092894.